The following is an entry in ClinVar:

NM_004360.5(CDH1):c.1366G>A (p.Val456Met)

Gene: CDH1 (cadherin 1; plus strand). Cytogenetic location: 16q22.1.
Variant type: single nucleotide variant.
Coding change: c.1366G>A on transcript NM_004360.5 (MANE Select); coding-DNA position 1366, G replaced by A.
Protein change: p.Val456Met; replaces valine 456 with methionine.
Molecular consequence: missense variant. On other transcripts: 5 prime UTR variant (2).
Genome position (GRCh38, 1-based): chr16:68,815,560, G>A. VCF-style: chr16-68815560-G-A. GRCh37 (hg19) VCF-style: chr16-68849463-G-A.
Other names: c.1366G>A (LRG_301t1); c.1183G>A, p.Val395Met (NM_001317184.2); c.-183G>A (NM_001317185.2); c.-454G>A (NM_001317186.2); short protein forms V456M, V395M.
Identifiers: ClinVar variation 463712 (VCV000463712.16), dbSNP rs974965262, ClinGen allele CA283308193.

ClinVar aggregate classification (germline): Uncertain significance. Review status: criteria provided, multiple submitters, no conflicts (2 of 4 stars). 2 submissions from 2 submitters: Uncertain significance (2). Last evaluated 2024-04-05.

Conditions:
Hereditary cancer-predisposing syndrome. Also called: Hereditary neoplastic syndrome; Neoplastic Syndromes, Hereditary; Tumor predisposition; Hereditary Cancer Syndrome. Identifiers: Orphanet 140162, MedGen C0027672, MeSH D009386, MONDO:0015356.
Hereditary diffuse gastric adenocarcinoma (HDGC). Also called: DIFFUSE GASTRIC AND LOBULAR BREAST CANCER SYNDROME. Identifiers: Orphanet 26106, MedGen C1708349, MONDO:0007648, OMIM 137215.

Allele frequency attached by ClinVar (database versions not stated): TOPMed below 0.00001.

Submissions (2):

Labcorp Genetics (formerly Invitae), Labcorp
Classification: Uncertain significance for Hereditary diffuse gastric adenocarcinoma. Last evaluated: 2024-04-05. Review status: criteria provided, single submitter. Criteria: Invitae Variant Classification Sherloc (09022015). Collection method: clinical testing. Allele origin: germline.
Comment: This sequence change replaces valine, which is neutral and non-polar, with methionine, which is neutral and non-polar, at codon 456 of the CDH1 protein (p.Val456Met). This variant is not present in population databases (gnomAD no frequency). This variant has not been reported in the literature in individuals affected with CDH1-related conditions. ClinVar contains an entry for this variant (Variation ID: 463712). An algorithm developed to predict the effect of missense changes on protein structure and function (PolyPhen-2) suggests that this variant is likely to be disruptive. In summary, the available evidence is currently insufficient to determine the role of this variant in disease. Therefore, it has been classified as a Variant of Uncertain Significance.

Ambry Genetics
Classification: Uncertain significance for Hereditary cancer-predisposing syndrome. Last evaluated: 2022-04-19. Review status: criteria provided, single submitter. Criteria: Ambry Variant Classification Scheme 2023. Collection method: clinical testing. Allele origin: germline.
Comment: The p.V456M variant (also known as c.1366G>A), located in coding exon 10 of the CDH1 gene, results from a G to A substitution at nucleotide position 1366. The valine at codon 456 is replaced by methionine, an amino acid with highly similar properties. This amino acid position is well conserved in available vertebrate species. In addition, the in silico prediction for this alteration is inconclusive. Since supporting evidence is limited at this time, the clinical significance of this alteration remains unclear.